The following is an entry in ClinVar:

ClinVar aggregate classification (germline): Likely benign (1 of 4 stars; one submission).

Allele frequency attached by ClinVar (database versions not stated): TOPMed 0.00011; gnomAD 0.00012; ExAC 0.00014; ESP Exome Variant Server 0.00019.
gnomAD v4.1: 200 of 1,187,801 alleles (0.017%); highest among the groups gnomAD compares: Non-Finnish European, 0.021%; no homozygotes.

Submission:

CeGaT Center for Human Genetics Tuebingen
Classification: Likely benign. Last evaluated: 2022-06-01. Review status: criteria provided, single submitter. Criteria: CeGaT Center For Human Genetics Tuebingen Variant Classification Criteria Version 2. Collection method: clinical testing. Allele origin: germline. Affected: yes. Observed: 1 variant allele.
Comment: ARHGAP4: BP4, BP7

NM_001666.5(ARHGAP4):c.2409C>T (p.Pro803=)

Gene: ARHGAP4 (Rho GTPase activating protein 4; minus strand). Cytogenetic location: Xq28.
Variant type: single nucleotide variant.
Coding change: c.2409C>T on transcript NM_001666.5 (MANE Select); coding-DNA position 2409, C replaced by T.
Protein change: p.Pro803=; no amino-acid change (proline 803 retained).
Molecular consequence: synonymous variant.
Genome position (GRCh38, 1-based): chrX:153,909,746, G>A on the plus strand (C>T on the coding strand, the complement: ARHGAP4 is on the minus strand). VCF-style: chrX-153909746-G-A. GRCh37 (hg19) VCF-style: chrX-153175200-G-A.
Other names: c.2529C>T, p.Pro843= (NM_001164741.2).
Identifiers: ClinVar variation 2661751 (VCV002661751.24), dbSNP rs374821227, ClinGen allele CA10555354.